The following is an entry in ClinVar:

ClinVar aggregate classification (germline): Uncertain significance (1 of 4 stars; one submission).

Submission:

Labcorp Genetics (formerly Invitae), Labcorp
Classification: Uncertain significance. Last evaluated: 2025-10-29. Review status: criteria provided, single submitter. Criteria: Invitae Variant Classification Sherloc (09022015). Collection method: clinical testing. Allele origin: germline.
Comment: This sequence change replaces glycine, which is neutral and non-polar, with cysteine, which is neutral and slightly polar, at codon 410 of the IKZF1 protein (p.Gly410Cys). This variant is not present in population databases (gnomAD no frequency). This variant has not been reported in the literature in individuals affected with IKZF1-related conditions. An algorithm developed to predict the effect of missense changes on protein structure and function (PolyPhen-2) suggests that this variant is likely to be disruptive. In summary, the available evidence is currently insufficient to determine the role of this variant in disease. Therefore, it has been classified as a Variant of Uncertain Significance.

NM_006060.6(IKZF1):c.1228G>T (p.Gly410Cys)

Gene: IKZF1 (IKAROS family zinc finger 1; plus strand). Cytogenetic location: 7p12.2.
Variant type: single nucleotide variant.
Coding change: c.1228G>T on transcript NM_006060.6 (MANE Select); coding-DNA position 1228, G replaced by T.
Protein change: p.Gly410Cys; replaces glycine 410 with cysteine.
Molecular consequence: missense variant.
Genome position (GRCh38, 1-based): chr7:50,400,295, G>T. VCF-style: chr7-50400295-G-T. GRCh37 (hg19) VCF-style: chr7-50467993-G-T.
Other names: c.1102G>T, p.Gly368Cys (NM_001220765.3, NM_001291837.2); c.937G>T, p.Gly313Cys (NM_001220767.2); c.967G>T, p.Gly323Cys (NM_001220768.2, NM_001291838.2); c.811G>T, p.Gly271Cys (NM_001220770.2); c.799G>T, p.Gly267Cys (NM_001220771.2, NM_001291841.1); c.841G>T, p.Gly281Cys (NM_001291839.2); c.538G>T, p.Gly180Cys (NM_001291840.1); c.769G>T, p.Gly257Cys (NM_001291842.1); and 3 more; short protein forms G271C, G323C, G410C, G430C, G281C, G180C, G225C, G313C.
Identifiers: ClinVar variation 4730122 (VCV004730122.1).